The following is an entry in ClinVar:

NM_004646.4(NPHS1):c.665C>T (p.Pro222Leu)

Gene: NPHS1 (NPHS1 adhesion molecule, nephrin; minus strand). Cytogenetic location: 19q13.12.
Variant type: single nucleotide variant.
Coding change: c.665C>T on transcript NM_004646.4 (MANE Select); coding-DNA position 665, C replaced by T.
Protein change: p.Pro222Leu; replaces proline 222 with leucine.
Molecular consequence: missense variant.
Genome position (GRCh38, 1-based): chr19:35,849,597, G>A on the plus strand (C>T on the coding strand, the complement: NPHS1 is on the minus strand). VCF-style: chr19-35849597-G-A. GRCh37 (hg19) VCF-style: chr19-36340499-G-A.
Other names: short protein forms P222L.
Identifiers: ClinVar variation 2191394 (VCV002191394.3), dbSNP rs112624813, ClinGen allele CA9390705.

ClinVar aggregate classification (germline): Uncertain significance. Review status: criteria provided, multiple submitters, no conflicts (2 of 4 stars). 3 submissions from 3 submitters: Uncertain significance (3). Last evaluated 2025-06-25.

Conditions:
Finnish congenital nephrotic syndrome (NPHS1). Also called: NEPHROTIC SYNDROME, TYPE 1. Identifiers: Orphanet 839, MedGen C0403399, MONDO:0009732, OMIM 256300.
Inborn genetic diseases. Identifiers: MedGen C0950123, MeSH D030342.

Allele frequency attached by ClinVar (database versions not stated): ExAC 0.00001; gnomAD 0.00006; TOPMed 0.00006; ESP Exome Variant Server 0.00008.
gnomAD v4.1: 28 of 1,614,110 alleles (0.0017%); highest among the groups gnomAD compares: African/African-American, 0.02%; no homozygotes.

Submissions (3):

Ambry Genetics
Classification: Uncertain significance for Inborn genetic diseases. Last evaluated: 2025-06-25. Review status: criteria provided, single submitter. Criteria: Ambry Variant Classification Scheme 2023. Collection method: clinical testing. Allele origin: germline.

Fulgent Genetics
Classification: Uncertain significance for Finnish congenital nephrotic syndrome. Last evaluated: 2024-04-14. Review status: criteria provided, single submitter. Criteria: ACMG Guidelines, 2015. Collection method: clinical testing. Allele origin: germline.

Labcorp Genetics (formerly Invitae), Labcorp
Classification: Uncertain significance. Last evaluated: 2022-03-15. Review status: criteria provided, single submitter. Criteria: Invitae Variant Classification Sherloc (09022015). Collection method: clinical testing. Allele origin: germline.
Comment: This sequence change replaces proline, which is neutral and non-polar, with leucine, which is neutral and non-polar, at codon 222 of the NPHS1 protein (p.Pro222Leu). This variant is present in population databases (rs112624813, gnomAD 0.008%). This variant has not been reported in the literature in individuals affected with NPHS1-related conditions. Advanced modeling of protein sequence and biophysical properties (such as structural, functional, and spatial information, amino acid conservation, physicochemical variation, residue mobility, and thermodynamic stability) performed at Invitae indicates that this missense variant is expected to disrupt NPHS1 protein function. In summary, the available evidence is currently insufficient to determine the role of this variant in disease. Therefore, it has been classified as a Variant of Uncertain Significance.